The following is an entry in ClinVar:

NM_182961.4(SYNE1):c.23814G>A (p.Lys7938=)

Gene: SYNE1 (spectrin repeat containing nuclear envelope protein 1; minus strand). Cytogenetic location: 6q25.2.
Variant type: single nucleotide variant.
Coding change: c.23814G>A on transcript NM_182961.4 (MANE Select); coding-DNA position 23814, G replaced by A.
Protein change: p.Lys7938=; no amino-acid change (lysine 7938 retained).
Molecular consequence: synonymous variant.
Genome position (GRCh38, 1-based): chr6:152,156,074, C>T on the plus strand (G>A on the coding strand, the complement: SYNE1 is on the minus strand). VCF-style: chr6-152156074-C-T. GRCh37 (hg19) VCF-style: chr6-152477209-C-T.
Other names: c.420G>A, p.Lys140= (NM_001347701.2); c.279G>A, p.Lys93= (NM_001347702.2); c.23601G>A, p.Lys7867= (NM_033071.5).
Identifiers: ClinVar variation 513569 (VCV000513569.1), dbSNP rs1554442128, ClinGen allele CA452748944.

ClinVar aggregate classification (germline): Likely benign (1 of 4 stars; one submission).

Submission:

GeneDx
Classification: Likely benign. Last evaluated: 2017-11-22. Review status: criteria provided, single submitter. Criteria: GeneDx Variant Classification (06012015). Collection method: clinical testing. Allele origin: germline. Affected: yes.
Comment: This variant is considered likely benign or benign based on one or more of the following criteria: it is a conservative change, it occurs at a poorly conserved position in the protein, it is predicted to be benign by multiple in silico algorithms, and/or has population frequency not consistent with disease.